The following is an entry in ClinVar:

NM_000944.5(PPP3CA):c.111T>A (p.Asn37Lys)

Gene: PPP3CA (protein phosphatase 3 catalytic subunit alpha; minus strand). Cytogenetic location: 4q24.
Variant type: single nucleotide variant.
Coding change: c.111T>A on transcript NM_000944.5 (MANE Select); coding-DNA position 111, T replaced by A.
Protein change: p.Asn37Lys; replaces asparagine 37 with lysine.
Molecular consequence: missense variant.
Genome position (GRCh38, 1-based): chr4:101,196,064, A>T on the plus strand (T>A on the coding strand, the complement: PPP3CA is on the minus strand). VCF-style: chr4-101196064-A-T. GRCh37 (hg19) VCF-style: chr4-102117221-A-T.
Other names: c.111T>A, p.Asn37Lys (NM_001130691.2, NM_001130692.2); c.111T>A (NM_000944.4); short protein forms N37K.
Identifiers: ClinVar variation 2726744 (VCV002726744.4), dbSNP rs146174889, ClinGen allele CA3024558.
Genomic context (GRCh38, chr4:101,196,064, plus strand): 5'-TTCCAGCCTTCCCTCCTTCATAAGATGCGCCTTTAAGATATCCACACGAGGTTTTCCATC[A>T]TTATCAAACACTTCTTTTGCTGTAAGCCGGTGACTTGGAGGAAATGGAACAGCTGAAAGA-3'
Protein context (NP_000935.1, residues 27-47): HRLTAKEVFD[Asn37Lys]DGKPRVDILK

ClinVar aggregate classification (germline): Uncertain significance. Review status: criteria provided, multiple submitters, no conflicts (2 of 4 stars). 2 submissions from 2 submitters: Uncertain significance (2). Last evaluated 2026-02-01.

Conditions:
Inborn genetic diseases. Identifiers: MedGen C0950123, MeSH D030342.

Allele frequency attached by ClinVar (database versions not stated): TOPMed below 0.00001; gnomAD 0.00001; ExAC 0.00002; ESP Exome Variant Server 0.00015; gnomAD exomes below 0.00001.
gnomAD v4.1: 3 of 1,613,902 alleles (0.00019%); highest among the groups gnomAD compares: Non-Finnish European, 0.00025%; no homozygotes.

Submissions (2):

Labcorp Genetics (formerly Invitae), Labcorp
Classification: Uncertain significance. Last evaluated: 2026-02-01. Review status: criteria provided, single submitter. Criteria: Invitae Variant Classification Sherloc (09022015). Collection method: clinical testing. Allele origin: germline.
Comment: This sequence change replaces asparagine, which is neutral and polar, with lysine, which is basic and polar, at codon 37 of the PPP3CA protein (p.Asn37Lys). This variant is present in population databases (rs146174889, gnomAD 0.003%). This variant has not been reported in the literature in individuals affected with PPP3CA-related conditions. ClinVar contains an entry for this variant (Variation ID: 2726744). An algorithm developed to predict the effect of missense changes on protein structure and function (PolyPhen-2) suggests that this variant is likely to be tolerated. In summary, the available evidence is currently insufficient to determine the role of this variant in disease. Therefore, it has been classified as a Variant of Uncertain Significance.

Ambry Genetics
Classification: Uncertain significance for Inborn genetic diseases. Last evaluated: 2025-12-10. Review status: criteria provided, single submitter. Criteria: Ambry Variant Classification Scheme 2023. Collection method: clinical testing. Allele origin: germline.